The following is an entry in ClinVar:

NM_001378778.1(MPDZ):c.5931G>C (p.Gln1977His)

Gene: MPDZ (multiple PDZ domain crumbs cell polarity complex component; minus strand). Cytogenetic location: 9p23.
Variant type: single nucleotide variant.
Coding change: c.5931G>C on transcript NM_001378778.1 (MANE Select); coding-DNA position 5931, G replaced by C.
Protein change: p.Gln1977His; replaces glutamine 1977 with histidine.
Molecular consequence: missense variant.
Genome position (GRCh38, 1-based): chr9:13,109,963, C>G on the plus strand (G>C on the coding strand, the complement: MPDZ is on the minus strand). VCF-style: chr9-13109963-C-G. GRCh37 (hg19) VCF-style: chr9-13109962-C-G.
Other names: c.5832G>C, p.Gln1944His (NM_001261406.2, NM_001375416.1, NM_001375417.1 and 1 more transcripts); c.5745G>C, p.Gln1915His (NM_001261407.2, NM_001375419.1); c.5931G>C, p.Gln1977His (NM_001330637.2); c.6030G>C, p.Gln2010His (NM_001375413.1); c.5721G>C, p.Gln1907His (NM_001375420.1, NM_001375421.1, NM_001375422.1 and 2 more transcripts); c.5634G>C, p.Gln1878His (NM_001375425.1, NM_001375426.1); c.5523G>C, p.Gln1841His (NM_001375427.1); c.5844G>C, p.Gln1948His (NM_003829.5); short protein forms Q2010H, Q1878H, Q1915H, Q1944H, Q1907H, Q1841H, Q1948H, Q1977H.
Identifiers: ClinVar variation 1418011 (VCV001418011.7), dbSNP rs372873246, ClinGen allele CA4986045.

ClinVar aggregate classification (germline): Uncertain significance. Review status: criteria provided, multiple submitters, no conflicts (2 of 4 stars). 2 submissions from 2 submitters: Uncertain significance (2). Last evaluated 2026-06-12.

Allele frequency attached by ClinVar (database versions not stated): ESP Exome Variant Server 0.00008; gnomAD exomes below 0.00001; TOPMed 0.00002; ExAC 0.00001.
gnomAD v4.1: 3 of 1,612,286 alleles (0.00019%); highest among the groups gnomAD compares: Non-Finnish European, 0.00025%; no homozygotes.

Submissions (2):

Women's Health and Genetics/Laboratory Corporation of America, LabCorp
Classification: Uncertain significance. Last evaluated: 2026-06-12. Review status: criteria provided, single submitter. Criteria: LabCorp Variant Classification Summary - May 2015. Collection method: clinical testing. Allele origin: germline.
Comment: Variant summary: MPDZ c.5844G>C (p.Gln1948His) results in a non-conservative amino acid change in the encoded protein sequence. Algorithms developed to predict the effect of missense changes on protein structure and function are either unavailable or do not agree on the potential impact of this missense change. The variant was absent in 247446 control chromosomes. The available data on variant occurrences in the general population are insufficient to allow any conclusion about variant significance. To our knowledge, no occurrence of c.5844G>C in individuals affected with MPDZ-related conditions and no experimental evidence demonstrating its impact on protein function have been reported. ClinVar contains an entry for this variant (Variation ID: 1418011). Based on the evidence outlined above, the variant was classified as uncertain significance.

Labcorp Genetics (formerly Invitae), Labcorp
Classification: Uncertain significance. Last evaluated: 2021-09-21. Review status: criteria provided, single submitter. Criteria: Invitae Variant Classification Sherloc (09022015). Collection method: clinical testing. Allele origin: germline.
Comment: In summary, the available evidence is currently insufficient to determine the role of this variant in disease. Therefore, it has been classified as a Variant of Uncertain Significance. Algorithms developed to predict the effect of missense changes on protein structure and function output the following: SIFT: "Tolerated"; PolyPhen-2: "Benign"; Align-GVGD: "Class C0". The histidine amino acid residue is found in multiple mammalian species, which suggests that this missense change does not adversely affect protein function. This variant has not been reported in the literature in individuals affected with MPDZ-related conditions. This variant is present in population databases (rs372873246, ExAC 0.002%). This sequence change replaces glutamine with histidine at codon 1948 of the MPDZ protein (p.Gln1948His). The glutamine residue is moderately conserved and there is a small physicochemical difference between glutamine and histidine.